The following is an entry in ClinVar:

ClinVar aggregate classification (germline): Uncertain significance (1 of 4 stars; one submission).

Allele frequency attached by ClinVar (database versions not stated): gnomAD exomes below 0.00001; TOPMed below 0.00001; gnomAD 0.00001.
gnomAD v4.1: 3 of 1,612,938 alleles (0.00019%); highest among the groups gnomAD compares: Non-Finnish European, 0.00025%; no homozygotes.

Submission:

Center for Pediatric Genomic Medicine, Children's Mercy Hospital and Clinics
Classification: Uncertain significance. Last evaluated: 2016-11-02. Review status: criteria provided, single submitter. Criteria: ACMG Guidelines, 2015. Collection method: clinical testing. Allele origin: germline.
ClinVar note: Converted during submission from Uncertain Significance to Uncertain significance.

NM_015028.4(TNIK):c.3707G>A (p.Gly1236Asp)

Gene: TNIK (TRAF2 and NCK interacting kinase; minus strand). Cytogenetic location: 3q26.2.
Variant type: single nucleotide variant.
Coding change: c.3707G>A on transcript NM_015028.4 (MANE Select); coding-DNA position 3707, G replaced by A.
Protein change: p.Gly1236Asp; replaces glycine 1236 with aspartic acid.
Molecular consequence: missense variant.
Genome position (GRCh38, 1-based): chr3:171,066,728, C>T on the plus strand (G>A on the coding strand, the complement: TNIK is on the minus strand). VCF-style: chr3-171066728-C-T. GRCh37 (hg19) VCF-style: chr3-170784517-C-T.
Other names: c.3683G>A, p.Gly1228Asp (NM_001161560.3); c.3620G>A, p.Gly1207Asp (NM_001161561.3); c.3596G>A, p.Gly1199Asp (NM_001161562.3); c.3542G>A, p.Gly1181Asp (NM_001161563.3); c.3518G>A, p.Gly1173Asp (NM_001161564.3); c.3455G>A, p.Gly1152Asp (NM_001161565.3); c.3431G>A, p.Gly1144Asp (NM_001161566.3); short protein forms G1144D, G1152D, G1173D, G1181D, G1199D, G1207D, G1228D, G1236D.
Identifiers: ClinVar variation 377187 (VCV000377187.3), dbSNP rs1057520155, ClinGen allele CA16603294.